The following is an entry in ClinVar:

ClinVar aggregate classification (germline): Pathogenic (1 of 4 stars; one submission).

Allele frequency attached by ClinVar (database versions not stated): gnomAD exomes below 0.00001.
gnomAD v4.1: 1 of 1,582,896 alleles (0.000063%); highest among the groups gnomAD compares: Non-Finnish European, 0.000086%; no homozygotes.

Submission:

Labcorp Genetics (formerly Invitae), Labcorp
Classification: Pathogenic. Last evaluated: 2022-01-27. Review status: criteria provided, single submitter. Criteria: Invitae Variant Classification Sherloc (09022015). Collection method: clinical testing. Allele origin: germline.
Comment: This variant has not been reported in the literature in individuals affected with MYO18B-related conditions. For these reasons, this variant has been classified as Pathogenic. This variant is not present in population databases (gnomAD no frequency). This sequence change creates a premature translational stop signal (p.Gln1647*) in the MYO18B gene. It is expected to result in an absent or disrupted protein product. Loss-of-function variants in MYO18B are known to be pathogenic (PMID: 25748484, 32184166, 32637634).

Literature cited by the submitters: PubMed 25748484; PubMed 32184166; PubMed 32637634.

NM_032608.7(MYO18B):c.4939C>T (p.Gln1647Ter)

Gene: MYO18B (myosin XVIIIB; plus strand). Cytogenetic location: 22q12.1.
Variant type: single nucleotide variant.
Coding change: c.4939C>T on transcript NM_032608.7 (MANE Select); coding-DNA position 4939, C replaced by T.
Protein change: p.Gln1647Ter; replaces glutamine 1647 with a stop codon.
Molecular consequence: nonsense.
Genome position (GRCh38, 1-based): chr22:25,902,728, C>T. VCF-style: chr22-25902728-C-T. GRCh37 (hg19) VCF-style: chr22-26298695-C-T.
Other names: c.4942C>T, p.Gln1648Ter (NM_001318245.2); short protein forms Q1647*, Q1648*.
Identifiers: ClinVar variation 2066346 (VCV002066346.4), dbSNP rs2517861604, ClinGen allele CA411012955.